The following is an entry in ClinVar:

NM_001374385.1(ATP8B1):c.3140del (p.Leu1047fs)

Genes: ATP8B1 (ATPase phospholipid transporting 8B1; minus strand), ATP8B1-AS1 (ATP8B1 antisense RNA 1; plus strand). Cytogenetic location: 18q21.31.
Variant type: Deletion.
Coding change: c.3140del on transcript NM_001374385.1 (MANE Select); coding-DNA position 3140, one base deleted (T; older notation c.3140delT).
Protein change: p.Leu1047fs; shifts the reading frame from leucine 1047.
Molecular consequence: frameshift variant.
Genome position (GRCh38, 1-based): chr18:57,652,605, A deleted on the plus strand (T on the coding strand, the reverse complement: ATP8B1 is on the minus strand). VCF-style (leftmost placement, unchanged base first): chr18-57652604-GA-G. GRCh37 (hg19) VCF-style: chr18-55319836-GA-G.
Other names: c.2990del, p.Leu997fs (NM_001374386.1); c.3140del, p.Leu1047fs (NM_005603.6); short protein forms L1047fs, L997fs.
Identifiers: ClinVar variation 4846247 (VCV004846247.1).

ClinVar aggregate classification (germline): Pathogenic (1 of 4 stars; one submission).

Conditions:
Familial intrahepatic cholestasis. Identifiers: Orphanet 284385, MedGen CN296401, MONDO:0017290.

Submission:

Genomenon, Inc
Classification: Pathogenic for Familial intrahepatic cholestasis. Last evaluated: 2026-04-14. Review status: criteria provided, single submitter. Criteria: Genomenon Sequence Variant Interpretation Standards - Updated. Collection method: curation. Allele origin: germline. Affected: yes.
Comment: ATP8B1 p.Leu1047ProfsTer13 (c.3140del) is a frameshift variant that results in the production of a truncated protein which is predicted to undergo nonsense-mediated mRNA decay. This variant has been observed in at least one proband with features of ATP8B1-deficiency (PMID:15239083). It is absent or not present at a significant frequency in gnomAD. In conclusion, we classify ATP8B1 p.Leu1047ProfsTer13 (c.3140del) as a pathogenic variant.

Literature cited by the submitters: PubMed 15239083.